The following is an entry in ClinVar:

NM_004655.4(AXIN2):c.1950C>A (p.Arg650=)

Gene: AXIN2 (axin 2; minus strand). Cytogenetic location: 17q24.1.
Variant type: single nucleotide variant.
Coding change: c.1950C>A on transcript NM_004655.4 (MANE Select); coding-DNA position 1950, C replaced by A.
Protein change: p.Arg650=; no amino-acid change (arginine 650 retained).
Molecular consequence: synonymous variant.
Genome position (GRCh38, 1-based): chr17:65,536,511, G>T on the plus strand (C>A on the coding strand, the complement: AXIN2 is on the minus strand). VCF-style: chr17-65536511-G-T. GRCh37 (hg19) VCF-style: chr17-63532629-G-T.
Other names: c.1755C>A, p.Arg585= (NM_001363813.1).
Identifiers: ClinVar variation 1783218 (VCV001783218.8), dbSNP rs1236721857, ClinGen allele CA501690999.
Genomic context (GRCh38, chr17:65,536,511, plus strand): 5'-GGGGTGCCCGCTGTTGCCCCCCCACAGATGGTGCCGGCTGGCTCGTTCGCCTGGAGACGA[G>T]CGGGCAGACTCCAAGGGGTAGGCCTTTTTTGTGCTTTGGGCACTAAACAAGGAATGAGCA-3'
Protein context (NP_004646.3, residues 640-660): TKKAYPLESA[Arg650=]SSPGERASRH

ClinVar aggregate classification (germline): Benign/Likely benign. Review status: criteria provided, multiple submitters, no conflicts (2 of 4 stars). 3 submissions from 3 submitters: Benign (1); Likely benign (2). Last evaluated 2024-10-27.

Conditions:
Hereditary cancer-predisposing syndrome. Also called: Neoplastic Syndromes, Hereditary; Tumor predisposition; Hereditary Cancer Syndrome; Hereditary neoplastic syndrome. Identifiers: Orphanet 140162, MedGen C0027672, MeSH D009386, MONDO:0015356.
Oligodontia-cancer predisposition syndrome. Also called: TOOTH AGENESIS-COLORECTAL CANCER SYNDROME. Identifiers: Orphanet 300576, MedGen C1837750, MONDO:0012075, OMIM 608615. Disease mechanism: loss of function.

Submissions (3):

Labcorp Genetics (formerly Invitae), Labcorp
Classification: Likely benign for Oligodontia-cancer predisposition syndrome. Last evaluated: 2024-10-27. Review status: criteria provided, single submitter. Criteria: Invitae Variant Classification Sherloc (09022015). Collection method: clinical testing. Allele origin: germline.

Myriad Genetics, Inc.
Classification: Benign for Oligodontia-cancer predisposition syndrome. Last evaluated: 2024-07-09. Review status: criteria provided, single submitter. Criteria: Myriad Autosomal Dominant, Autosomal Recessive and X-Linked Classification Criteria (2023). Collection method: clinical testing. Allele origin: unknown.
Comment: This variant is considered benign. This variant is a silent/synonymous amino acid change and it is not expected to impact splicing.

Ambry Genetics
Classification: Likely benign for Hereditary cancer-predisposing syndrome. Last evaluated: 2020-12-07. Review status: criteria provided, single submitter. Criteria: Ambry Variant Classification Scheme 2023. Collection method: clinical testing. Allele origin: germline.